The following is an entry in ClinVar:

ClinVar aggregate classification (germline): Uncertain significance. Review status: criteria provided, multiple submitters, no conflicts (2 of 4 stars). 2 submissions from 2 submitters: Uncertain significance (2). Last evaluated 2025-02-20.

Allele frequency attached by ClinVar (database versions not stated): gnomAD 0.00003; gnomAD exomes 0.00003; TOPMed 0.00005; ExAC 0.00007.
gnomAD v4.1: 21 of 1,613,872 alleles (0.0013%); highest among the groups gnomAD compares: Admixed American, 0.035%; no homozygotes.

Submissions (2):

Ambry Genetics
Classification: Uncertain significance. Last evaluated: 2025-02-20. Review status: criteria provided, single submitter. Criteria: Ambry Variant Classification Scheme 2023. Collection method: clinical testing. Allele origin: germline.

Labcorp Genetics (formerly Invitae), Labcorp
Classification: Uncertain significance. Last evaluated: 2022-10-13. Review status: criteria provided, single submitter. Criteria: Invitae Variant Classification Sherloc (09022015). Collection method: clinical testing. Allele origin: germline.
Comment: In summary, the available evidence is currently insufficient to determine the role of this variant in disease. Therefore, it has been classified as a Variant of Uncertain Significance. Algorithms developed to predict the effect of missense changes on protein structure and function output the following: SIFT: "Not Available"; PolyPhen-2: "Not Available"; Align-GVGD: "Not Available". The lysine amino acid residue is found in multiple mammalian species, which suggests that this missense change does not adversely affect protein function. This variant has not been reported in the literature in individuals affected with PIK3C2A-related conditions. This variant is present in population databases (rs779900437, gnomAD 0.05%). This sequence change replaces arginine, which is basic and polar, with lysine, which is basic and polar, at codon 321 of the PIK3C2A protein (p.Arg321Lys).

NM_002645.4(PIK3C2A):c.962G>A (p.Arg321Lys)

Gene: PIK3C2A (phosphatidylinositol-4-phosphate 3-kinase catalytic subunit type 2 alpha; minus strand). Cytogenetic location: 11p15.1.
Variant type: single nucleotide variant.
Coding change: c.962G>A on transcript NM_002645.4 (MANE Select); coding-DNA position 962, G replaced by A.
Protein change: p.Arg321Lys; replaces arginine 321 with lysine.
Molecular consequence: missense variant. On other transcripts: intron variant (1).
Genome position (GRCh38, 1-based): chr11:17,168,780, C>T on the plus strand (G>A on the coding strand, the complement: PIK3C2A is on the minus strand). VCF-style: chr11-17168780-C-T. GRCh37 (hg19) VCF-style: chr11-17190327-C-T.
Other names: c.962G>A, p.Arg321Lys (NM_001321378.2, NM_001386870.1); c.-75-13151G>A (NM_001321380.2); c.962G>A (NM_002645.2); short protein forms R321K.
Identifiers: ClinVar variation 2046538 (VCV002046538.4), dbSNP rs779900437, ClinGen allele CA5901481.